The following is an entry in ClinVar:

ClinVar aggregate classification (germline): Pathogenic. Review status: criteria provided, multiple submitters, no conflicts (2 of 4 stars). 10 submissions from 10 submitters: Pathogenic (9). 1 of the submissions does not count toward it. Last evaluated 2025-11-12.

Conditions:
PKHD1-related disorder. Also called: PKHD1-related condition.
Polycystic kidney disease 4 (PKD4). Also called: Autosomal Recessive Polycystic Kidney Disease – PKHD1; PKD3; POLYCYSTIC KIDNEY DISEASE 4 WITH OR WITHOUT POLYCYSTIC LIVER DISEASE; POLYCYSTIC KIDNEY AND HEPATIC DISEASE 1; POLYCYSTIC KIDNEY DISEASE, INFANTILE, TYPE I. Identifiers: MedGen C4540575, MONDO:0033004, OMIM 263200.
Autosomal recessive polycystic kidney disease (ARPKD). Also called: AR polycystic kidney disease. Identifiers: Orphanet 731, Orphanet 8378, MedGen C0085548, MeSH D017044, MONDO:0009889.

Allele frequency attached by ClinVar (database versions not stated): ExAC 0.00001; gnomAD 0.00001; TOPMed 0.00001.
gnomAD v4.1: 14 of 1,613,944 alleles (0.00087%); highest among the groups gnomAD compares: South Asian, 0.0011%; no homozygotes.

Submissions (10):

Natera, Inc.
Classification: Pathogenic for Autosomal recessive polycystic kidney disease. Last evaluated: 2025-11-12. Review status: criteria provided, single submitter. Criteria: Natera Variant Classification Schema (03/2026). Collection method: clinical testing. Allele origin: germline.
Comment: The c.5323C>T variant in PKHD1 is a nonsense variant predicted to introduce a stop codon at amino acid 1775. This variant is expected to result in nonsense mediated decay, truncation, or a dysfunctional protein product. This variant is rare in the general population with a frequency below the threshold expected for the associated phenotype(s). This variant has been observed in one or more individuals affected with the associated recessive disease, as either homozygous or compound heterozygous with a second variant (PMID: 32574212). Given the available evidence, this variant is classified as Pathogenic.

Labcorp Genetics (formerly Invitae), Labcorp
Classification: Pathogenic for Autosomal recessive polycystic kidney disease. Last evaluated: 2025-08-29. Review status: criteria provided, single submitter. Criteria: Invitae Variant Classification Sherloc (09022015). Collection method: clinical testing. Allele origin: germline.
Comment: This sequence change creates a premature translational stop signal (p.Arg1775*) in the PKHD1 gene. It is expected to result in an absent or disrupted protein product. Loss-of-function variants in PKHD1 are known to be pathogenic (PMID: 19940839). The frequency data for this variant in the population databases is considered unreliable, as metrics indicate poor data quality at this position in the gnomAD database. This premature translational stop signal has been observed in individual(s) with polycystic kidney disease (PMID: 15698423, 32574212, 33059727). ClinVar contains an entry for this variant (Variation ID: 550139). For these reasons, this variant has been classified as Pathogenic.

PreventionGenetics, part of Exact Sciences
Classification: Pathogenic for PKHD1-related condition. Last evaluated: 2024-12-10. Review status: criteria provided, single submitter. Criteria: ACMG Guidelines, 2015. Collection method: clinical testing. Allele origin: germline.
Comment: The PKHD1 c.5323C>T variant is predicted to result in premature protein termination (p.Arg1775*). This variant has been reported to be causative for autosomal recessive polycystic kidney disease (ARPKD) (see for example, Bergmann et al. 2005. PubMed ID: 15698423; Obeidova et al. 2020. PubMed ID: 32574212). This variant is reported in 0.00088% of alleles in individuals of European (Non-Finnish) descent in gnomAD. Nonsense variants in PKHD1 are expected to be pathogenic. This variant is interpreted as pathogenic.

3billion
Classification: Pathogenic for Polycystic kidney disease 4. Last evaluated: 2024-10-21. Review status: criteria provided, single submitter. Criteria: ACMG Guidelines, 2015. Collection method: clinical testing. Allele origin: germline. Affected: yes.
Comment: The variant is observed at an extremely low frequency in the gnomAD v4.1.0 dataset (total allele frequency: <0.001%). Predicted Consequence/Location: Stop-gained (nonsense): predicted to result in a loss or disruption of normal protein function through nonsense-mediated decay (NMD) or protein truncation. Multiple pathogenic variants are reported downstream of the variant. The variant has been reported at least twice as pathogenic with clinical assertions and evidence for the classification (ClinVar ID: VCV000550139 /PMID: 15698423). Therefore, this variant is classified as Pathogenic according to the recommendation of ACMG/AMP guideline.

Fulgent Genetics
Classification: Pathogenic for Polycystic kidney disease 4. Last evaluated: 2024-04-30. Review status: criteria provided, single submitter. Criteria: ACMG Guidelines, 2015. Collection method: clinical testing. Allele origin: germline.

GeneDx
Classification: Pathogenic. Last evaluated: 2022-10-26. Review status: criteria provided, single submitter. Criteria: GeneDx Variant Classification Process June 2021. Collection method: clinical testing. Allele origin: germline. Affected: yes.
Comment: Nonsense variant predicted to result in protein truncation or nonsense mediated decay in a gene for which loss of function is a known mechanism of disease; Not observed at significant frequency in large population cohorts (gnomAD); This variant is associated with the following publications: (PMID: 25525159, 32574212, 30275481, 33059727, 15698423, 27225849)

Women's Health and Genetics/Laboratory Corporation of America, LabCorp
Classification: Pathogenic for Autosomal recessive polycystic kidney disease. Last evaluated: 2021-04-18. Review status: criteria provided, single submitter. Criteria: LabCorp Variant Classification Summary - May 2015. Collection method: clinical testing. Allele origin: germline.
Comment: Variant summary: PKHD1 c.5323C>T (p.Arg1775X) results in a premature termination codon, predicted to cause a truncation of the encoded protein or absence of the protein due to nonsense mediated decay, which are commonly known mechanisms for disease. Truncations downstream of this position have been classified as pathogenic by our laboratory. The variant allele was found at a frequency of 4e-06 in 251236 control chromosomes. c.5323C>T has been reported in the literature in multiple individuals affected with Polycystic Kidney And Hepatic Disease (example, Bergmann_2005, Melchionda_2016). These data indicate that the variant is very likely to be associated with disease. To our knowledge, no experimental evidence demonstrating an impact on protein function has been reported. Two clinical diagnostic laboratories have submitted clinical-significance assessments for this variant to ClinVar after 2014 without evidence for independent evaluation. All laboratories classified the variant as pathogenic. Based on the evidence outlined above, the variant was classified as pathogenic.

Illumina Laboratory Services, Illumina
Classification: Pathogenic for Polycystic kidney disease 4. Last evaluated: 2018-01-31. Review status: criteria provided, single submitter. Criteria: ICSL Variant Classification Criteria 09 May 2019. Collection method: clinical testing. Allele origin: germline.
Comment: The PKHD1 c.5323C>T (p.Arg1775Ter) variant is a stop-gained variant that is predicted to result in premature termination of the protein. This variant has been reported in three studies and is found in eight individuals with autosomal recessive polycystic kidney disease, including in a homozygous state in one individual, in a compound heterozygous state in five individuals (two of whom are siblings), and in a heterozygous state with a second unidentified variant in three individuals (Bergmann et al. 2005; Obeidova et al. 2015; Melchionda et al. 2016). Control data are unavailable for this variant, which is reported at a frequency of 0.000015 in the European (non-Finnish) population of the Exome Aggregation Consortium, though this is based on one allele in a region of good sequence coverage so the variant is presumed to be rare. Based on the evidence and due to the potential impact of stop-gained variants, the p.Arg1775Ter variant is classified as pathogenic for autosomal recessive polycystic kidney disease. This variant was observed by ICSL as part of a predisposition screen in an ostensibly healthy population.

Baylor Genetics
Classification: Pathogenic for Polycystic kidney disease 4. Review status: criteria provided, single submitter. Criteria: ACMG Guidelines, 2015. Collection method: clinical testing. Allele origin: germline.

Counsyl
Classification: Pathogenic for Polycystic kidney disease 4. Last evaluated: 2016-12-16. Review status: no assertion criteria provided. Collection method: clinical testing. Allele origin: unknown. Not counted in ClinVar's aggregate classification.

Literature cited by the submitters: PubMed 32574212 (cited by Natera, Inc. and Labcorp Genetics (formerly Invitae), Labcorp); PubMed 19940839 (cited by Labcorp Genetics (formerly Invitae), Labcorp); PubMed 15698423 (cited by 5 submitters); PubMed 33059727 (cited by Labcorp Genetics (formerly Invitae), Labcorp); PubMed 27225849 (cited by Women's Health and Genetics/Laboratory Corporation of America, LabCorp and Illumina Laboratory Services, Illumina); PubMed 26695994 (cited by Illumina Laboratory Services, Illumina and Counsyl).

NM_138694.4(PKHD1):c.5323C>T (p.Arg1775Ter)

Gene: PKHD1 (PKHD1 ciliary IPT domain containing fibrocystin/polyductin; minus strand). Cytogenetic location: 6p12.2.
Variant type: single nucleotide variant.
Coding change: c.5323C>T on transcript NM_138694.4 (MANE Select); coding-DNA position 5323, C replaced by T.
Protein change: p.Arg1775Ter; replaces arginine 1775 with a stop codon.
Molecular consequence: nonsense.
Genome position (GRCh38, 1-based): chr6:52,022,858, G>A on the plus strand (C>T on the coding strand, the complement: PKHD1 is on the minus strand). VCF-style: chr6-52022858-G-A. GRCh37 (hg19) VCF-style: chr6-51887656-G-A.
Other names: c.5323C>T, p.Arg1775Ter (NM_170724.3); c.5323C>T (NM_170724.2); short protein forms R1775*.
Identifiers: ClinVar variation 550139 (VCV000550139.27), dbSNP rs770522674, ClinGen allele CA3852544.